The following is an entry in ClinVar:

NM_020856.4(TSHZ3):c.1181C>T (p.Ser394Leu)

Gene: TSHZ3 (teashirt zinc finger homeobox 3; minus strand). Cytogenetic location: 19q12.
Variant type: single nucleotide variant.
Coding change: c.1181C>T on transcript NM_020856.4 (MANE Select); coding-DNA position 1181, C replaced by T.
Protein change: p.Ser394Leu; replaces serine 394 with leucine.
Molecular consequence: missense variant.
Genome position (GRCh38, 1-based): chr19:31,278,612, G>A on the plus strand (C>T on the coding strand, the complement: TSHZ3 is on the minus strand). VCF-style: chr19-31278612-G-A. GRCh37 (hg19) VCF-style: chr19-31769518-G-A.
Other names: short protein forms S394L.
Identifiers: ClinVar variation 161739 (VCV000161739.2), dbSNP rs193921027, ClinGen allele CA174698.
Genomic context (GRCh38, chr19:31,278,612, plus strand): 5'-ACCTTGATGAAGTGGCCAGTGACCATCATGTGGGCAGTGAGCTCCTGCAGGGTGTCATGC[G>A]AGCTCCCACACTCCATGCACTTCAGGATCTGCGACTTCCGGGCCTCAAAGTGCCATGCAT-3'
Protein context (NP_065907.2, residues 384-404): QILKCMECGS[Ser394Leu]HDTLQELTAH

ClinVar aggregate classification (germline): Uncertain significance (0 of 4 stars; one submission).

Conditions:
Prostate cancer. Also called: Malignant tumor of prostate. Identifiers: Orphanet 1331, MedGen C0376358, MONDO:0008315, HP:0012125.

Allele frequency attached by ClinVar (database versions not stated): gnomAD exomes below 0.00001; gnomAD 0.00001.
gnomAD v4.1: 2 of 1,614,038 alleles (0.00012%); highest among the groups gnomAD compares: African/African-American, 0.0027%; no homozygotes.

Submission:

Science for Life laboratory,  Karolinska Institutet
Classification: Uncertain significance for Malignant tumor of prostate. Review status: no assertion criteria provided. Collection method: not provided. Allele origin: somatic.
Comment: TumorID:SWE-7
ClinVar note: Converted during submission from Unknown to Uncertain significance.